The following is an entry in ClinVar:

NM_004104.5(FASN):c.6352T>C (p.Tyr2118His)

Gene: FASN (fatty acid synthase; minus strand). Cytogenetic location: 17q25.3.
Variant type: single nucleotide variant.
Coding change: c.6352T>C on transcript NM_004104.5 (MANE Select); coding-DNA position 6352, T replaced by C.
Protein change: p.Tyr2118His; replaces tyrosine 2118 with histidine.
Molecular consequence: missense variant.
Genome position (GRCh38, 1-based): chr17:82,081,655, A>G on the plus strand (T>C on the coding strand, the complement: FASN is on the minus strand). VCF-style: chr17-82081655-A-G. GRCh37 (hg19) VCF-style: chr17-80039531-A-G.
Other names: short protein forms Y2118H.
Identifiers: ClinVar variation 3009802 (VCV003009802.3), dbSNP rs900214717, ClinGen allele CA295203611.
Genomic context (GRCh38, chr17:82,081,655, plus strand): 5'-GCTCACCCAGGATGTGTGCCACGGCCTCCACCAGGTCCCGCTGGCTGTCCCTGTCCCTAT[A>G]GGCCGCAGCCTTCTCAGCCAGCACAAAGCTGCTCAGGACCATGTGGGGCTGGTTCAGGAA-3'
Protein context (NP_004095.4, residues 2108-2128): SFVLAEKAAA[Tyr2118His]RDRDSQRDLV

ClinVar aggregate classification (germline): Uncertain significance (1 of 4 stars; one submission).

Conditions:
Epileptic encephalopathy. Identifiers: MedGen C0543888, HP:0200134.

Allele frequency attached by ClinVar (database versions not stated): gnomAD exomes below 0.00001; gnomAD 0.00001; TOPMed 0.00001.
gnomAD v4.1: 2 of 1,612,590 alleles (0.00012%); highest among the groups gnomAD compares: Admixed American, 0.0033%; no homozygotes.

Submission:

Labcorp Genetics (formerly Invitae), Labcorp
Classification: Uncertain significance for Epileptic encephalopathy. Last evaluated: 2023-07-31. Review status: criteria provided, single submitter. Criteria: Invitae Variant Classification Sherloc (09022015). Collection method: clinical testing. Allele origin: germline.
Comment: In summary, the available evidence is currently insufficient to determine the role of this variant in disease. Therefore, it has been classified as a Variant of Uncertain Significance. Algorithms developed to predict the effect of missense changes on protein structure and function output the following: SIFT: "Not Available"; PolyPhen-2: "Benign"; Align-GVGD: "Not Available". The histidine amino acid residue is found in multiple mammalian species, which suggests that this missense change does not adversely affect protein function. This variant has not been reported in the literature in individuals affected with FASN-related conditions. This variant is not present in population databases (gnomAD no frequency). This sequence change replaces tyrosine, which is neutral and polar, with histidine, which is basic and polar, at codon 2118 of the FASN protein (p.Tyr2118His).